The following is an entry in ClinVar:

ClinVar aggregate classification (germline): Uncertain significance. Review status: criteria provided, multiple submitters, no conflicts (2 of 4 stars). 2 submissions from 2 submitters: Uncertain significance (2). Last evaluated 2021-02-15.

Conditions:
Combined immunodeficiency due to DOCK8 deficiency (HIES2). Also called: HIES autosomal recessive; HYPER-IgE RECURRENT INFECTION SYNDROME 2, AUTOSOMAL RECESSIVE; DOCK8 Deficiency; HYPER-IgE SYNDROME 2, AUTOSOMAL RECESSIVE, WITH RECURRENT INFECTIONS; Hyper-IgE recurrent infection syndrome, autosomal recessive. Identifiers: Orphanet 217390, MedGen C4722305, MONDO:0009478, OMIM 243700.

Allele frequency attached by ClinVar (database versions not stated): gnomAD exomes below 0.00001 and 0.00001; ExAC 0.00001.
gnomAD v4.1: 11 of 1,614,184 alleles (0.00068%); highest among the groups gnomAD compares: Non-Finnish European, 0.00085%; no homozygotes.

Submissions (2):

Labcorp Genetics (formerly Invitae), Labcorp
Classification: Uncertain significance for Combined immunodeficiency due to DOCK8 deficiency. Last evaluated: 2021-02-15. Review status: criteria provided, single submitter. Criteria: Invitae Variant Classification Sherloc (09022015). Collection method: clinical testing. Allele origin: germline.
Comment: In summary, the available evidence is currently insufficient to determine the role of this variant in disease. Therefore, it has been classified as a Variant of Uncertain Significance. Algorithms developed to predict the effect of sequence changes on RNA splicing suggest that this variant may disrupt the consensus splice site, but this prediction has not been confirmed by published transcriptional studies. Algorithms developed to predict the effect of missense changes on protein structure and function (SIFT, PolyPhen-2, Align-GVGD) all suggest that this variant is likely to be disruptive, but these predictions have not been confirmed by published functional studies and their clinical significance is uncertain. This variant has not been reported in the literature in individuals with DOCK8-related conditions. ClinVar contains an entry for this variant (Variation ID: 915173). This variant is present in population databases (rs776197556, ExAC 0.001%). This sequence change replaces glycine with glutamic acid at codon 429 of the DOCK8 protein (p.Gly429Glu). The glycine residue is highly conserved and there is a moderate physicochemical difference between glycine and glutamic acid.

Illumina Laboratory Services, Illumina
Classification: Uncertain significance for Combined immunodeficiency due to DOCK8 deficiency. Last evaluated: 2018-01-12. Review status: criteria provided, single submitter. Criteria: ICSL Variant Classification Criteria 13 December 2019. Collection method: clinical testing. Allele origin: germline.

NM_203447.4(DOCK8):c.1286G>A (p.Gly429Glu)

Gene: DOCK8 (dedicator of cytokinesis 8; plus strand). Cytogenetic location: 9p24.3.
Variant type: single nucleotide variant.
Coding change: c.1286G>A on transcript NM_203447.4 (MANE Select); coding-DNA position 1286, G replaced by A.
Protein change: p.Gly429Glu; replaces glycine 429 with glutamic acid.
Molecular consequence: missense variant.
Genome position (GRCh38, 1-based): chr9:336,582, G>A. VCF-style: chr9-336582-G-A. GRCh37 (hg19) VCF-style: chr9-336582-G-A.
Other names: c.1082G>A, p.Gly361Glu (NM_001190458.2, NM_001193536.2); short protein forms G429E, G361E.
Identifiers: ClinVar variation 915173 (VCV000915173.11), dbSNP rs776197556, ClinGen allele CA4957687.
Genomic context (GRCh38, chr9:336,582, plus strand): 5'-TAACTGCTGTGTGTTTGAACAGAAAGGCATACTTTGGAGTGACAATTGTTTTTCTTAAAG[G>A]GAGAAGCTCAGTGGGTGAACGGAGGACATTGGCCCAATCTAGAAGGCTTTCTGAAAGAGC-3'
Protein context (NP_982272.2, residues 419-439): REVTDVDSVV[Gly429Glu]RSSVGERRTL